The following is an entry in ClinVar:

ClinVar aggregate classification (germline): Likely pathogenic (1 of 4 stars; one submission).

Conditions:
Cholestanol storage disease (CTX). Also called: Cerebrotendinous Xanthomatosis; CTX: Cerebrotendinous xanthomatosis; CEREBRAL CHOLESTERINOSIS. Identifiers: Orphanet 909, MedGen C0238052, MONDO:0008948, OMIM 213700.

Submission:

Natera, Inc.
Classification: Likely pathogenic for Cerebrotendinous xanthomatosis. Last evaluated: 2025-06-04. Review status: criteria provided, single submitter. Criteria: Natera Variant Classification Schema (03/2026). Collection method: clinical testing. Allele origin: germline.
Comment: The c.1038G>A variant in CYP27A1 is a nonsense variant predicted to introduce a stop codon at amino acid 346. This variant is expected to result in nonsense mediated decay, truncation, or a dysfunctional protein product. This variant is rare in the general population with a frequency below the threshold expected for the associated phenotype(s). Given the available evidence, this variant is classified as Likely Pathogenic.

NM_000784.4(CYP27A1):c.1038G>A (p.Trp346Ter)

Gene: CYP27A1 (cytochrome P450 family 27 subfamily A member 1; plus strand). Cytogenetic location: 2q35.
Variant type: single nucleotide variant.
Coding change: c.1038G>A on transcript NM_000784.4 (MANE Select); coding-DNA position 1038, G replaced by A.
Protein change: p.Trp346Ter; replaces tryptophan 346 with a stop codon.
Molecular consequence: nonsense.
Genome position (GRCh38, 1-based): chr2:218,814,041, G>A. VCF-style: chr2-218814041-G-A. GRCh37 (hg19) VCF-style: chr2-219678764-G-A.
Other names: short protein forms W346*.
Identifiers: ClinVar variation 4814475 (VCV004814475.1).
Genomic context (GRCh38, chr2:218,814,041, plus strand): 5'-TAGAAATCGCCCTCACCTGATCTCCCACTCTATCTTCTAGACATCCAACACGCTGACATG[G>A]GCCCTGTACCACCTCTCAAAGGACCCTGAGATCCAGGAGGCCTTGCACGAGGAAGTGGTG-3'